The following is an entry in ClinVar:

NM_001008216.2(GALE):c.659G>C (p.Arg220Pro)

Gene: GALE (UDP-galactose-4-epimerase; minus strand). Cytogenetic location: 1p36.11.
Variant type: single nucleotide variant.
Coding change: c.659G>C on transcript NM_001008216.2 (MANE Select); coding-DNA position 659, G replaced by C.
Protein change: p.Arg220Pro; replaces arginine 220 with proline.
Molecular consequence: missense variant.
Genome position (GRCh38, 1-based): chr1:23,796,926, C>G on the plus strand (G>C on the coding strand, the complement: GALE is on the minus strand). VCF-style: chr1-23796926-C-G. GRCh37 (hg19) VCF-style: chr1-24123416-C-G.
Other names: c.659G>C, p.Arg220Pro (NM_000403.4, NM_001127621.2); short protein forms R220P.
Identifiers: ClinVar variation 287623 (VCV000287623.14), dbSNP rs756780233, ClinGen allele CA685579.

ClinVar aggregate classification (germline): Uncertain significance. Review status: criteria provided, multiple submitters, no conflicts (2 of 4 stars). 2 submissions from 2 submitters: Uncertain significance (2). Last evaluated 2019-02-28.

Conditions:
UDPglucose-4-epimerase deficiency. Also called: Epimerase Deficiency Galactosemia; UDPglucose 4-Epimerase Deficiency Disease; UDP-GALACTOSE-4-EPIMERASE DEFICIENCY; Galactose epimerase deficiency; GALACTOSEMIA III; GALE DEFICIENCY. Identifiers: Orphanet 352, Orphanet 79238, MedGen C0751161, MONDO:0009257, OMIM 230350.

Allele frequency attached by ClinVar (database versions not stated): gnomAD exomes below 0.00001; ExAC 0.00001; gnomAD 0.00001; TOPMed 0.00005.
gnomAD v4.1: 4 of 1,613,486 alleles (0.00025%); highest among the groups gnomAD compares: African/African-American, 0.0053%; no homozygotes.

Submissions (2):

Labcorp Genetics (formerly Invitae), Labcorp
Classification: Uncertain significance for UDPglucose-4-epimerase deficiency. Last evaluated: 2019-02-28. Review status: criteria provided, single submitter. Criteria: Invitae Variant Classification Sherloc (09022015). Collection method: clinical testing. Allele origin: germline.
Comment: In summary, the available evidence is currently insufficient to determine the role of this variant in disease. Therefore, it has been classified as a Variant of Uncertain Significance. Algorithms developed to predict the effect of missense changes on protein structure and function are either unavailable or do not agree on the potential impact of this missense change (SIFT: "Deleterious"; PolyPhen-2: "Probably Damaging"; Align-GVGD: "Class C0"). This variant has not been reported in the literature in individuals with GALE-related conditions. ClinVar contains an entry for this variant (Variation ID: 287623). This variant is present in population databases (rs756780233, ExAC 0.01%). This sequence change replaces arginine with proline at codon 220 of the GALE protein (p.Arg220Pro). The arginine residue is highly conserved and there is a moderate physicochemical difference between arginine and proline.

Eurofins Ntd Llc (ga)
Classification: Uncertain significance. Last evaluated: 2016-05-06. Review status: criteria provided, single submitter. Criteria: EGL Classification Definitions 2015. Collection method: clinical testing. Allele origin: germline. Observed: 1 variant allele, 1 heterozygote.